The following is an entry in ClinVar:

ClinVar aggregate classification (germline): Uncertain significance. Review status: criteria provided, multiple submitters, no conflicts (2 of 4 stars). 2 submissions from 2 submitters: Uncertain significance (2). Last evaluated 2026-08-01.

Conditions:
Charcot-Marie-Tooth disease type 2. Also called: Charcot-Marie-Tooth type 2. Identifiers: Orphanet 64746, MedGen C0270914, MONDO:0018993.

Allele frequency attached by ClinVar (database versions not stated): ExAC 0.00001; gnomAD exomes 0.00001.
gnomAD v4.1: 10 of 1,614,180 alleles (0.00062%); highest among the groups gnomAD compares: Non-Finnish European, 0.00059%; no homozygotes.

Submissions (2):

CeGaT Center for Human Genetics Tuebingen
Classification: Uncertain significance. Last evaluated: 2026-08-01. Review status: criteria provided, single submitter. Criteria: CeGaT Center For Human Genetics Tuebingen Variant Classification Criteria Version 2. Collection method: clinical testing. Allele origin: germline. Affected: yes. Observed: 1 variant allele.
Comment: AARS1: PM2, BP4

Labcorp Genetics (formerly Invitae), Labcorp
Classification: Uncertain significance for Charcot-Marie-Tooth disease type 2. Last evaluated: 2022-01-11. Review status: criteria provided, single submitter. Criteria: Invitae Variant Classification Sherloc (09022015). Collection method: clinical testing. Allele origin: germline.
Comment: In summary, the available evidence is currently insufficient to determine the role of this variant in disease. Therefore, it has been classified as a Variant of Uncertain Significance. Algorithms developed to predict the effect of missense changes on protein structure and function (SIFT, PolyPhen-2, Align-GVGD) all suggest that this variant is likely to be tolerated. This variant has not been reported in the literature in individuals affected with AARS-related conditions. This variant is present in population databases (rs769521539, gnomAD 0.004%). This sequence change replaces serine, which is neutral and polar, with arginine, which is basic and polar, at codon 403 of the AARS protein (p.Ser403Arg).

NM_001605.3(AARS1):c.1209C>G (p.Ser403Arg)

Gene: AARS1 (alanyl-tRNA synthetase 1; minus strand). Cytogenetic location: 16q22.1.
Variant type: single nucleotide variant.
Coding change: c.1209C>G on transcript NM_001605.3 (MANE Select); coding-DNA position 1209, C replaced by G.
Protein change: p.Ser403Arg; replaces serine 403 with arginine.
Molecular consequence: missense variant.
Genome position (GRCh38, 1-based): chr16:70,267,672, G>C on the plus strand (C>G on the coding strand, the complement: AARS1 is on the minus strand). VCF-style: chr16-70267672-G-C. GRCh37 (hg19) VCF-style: chr16-70301575-G-C.
Other names: short protein forms S403R.
Identifiers: ClinVar variation 2050049 (VCV002050049.5), dbSNP rs769521539, ClinGen allele CA8140899.